The following continues an entry in ClinVar:

NM_000518.5(HBB):c.118C>T (p.Gln40Ter)

ClinVar aggregate classification (germline): Pathogenic. Pathogenic (43).

Submissions 10 to 27 of 49:

ARUP Laboratories, Molecular Genetics and Genomics, ARUP Laboratories
Classification: Pathogenic. Last evaluated: 2025-07-30. Review status: criteria provided, single submitter. Criteria: ARUP Molecular Germline Variant Investigation Process 2024. Collection method: clinical testing. Allele origin: germline.
Comment: The Codon 39 C>T variant (HBB c.118C>T; p.Gln40Ter, also known as Gln39Ter when numbered from the mature protein, rs11549407, HbVar ID: 845) induces an early termination codon and is predicted to result in a truncated protein or mRNA subject to nonsense-mediated decay. This variant is one of the most common Mediterranean beta(0) thalassemia variants (see HbVar link and references therein) and is considered to be pathogenic. References: Link to HbVar database

Center for Genomic Medicine, Rigshospitalet, Copenhagen University Hospital
Classification: Pathogenic. Last evaluated: 2025-03-04. Review status: criteria provided, single submitter. Criteria: ACMG Guidelines, 2015. Collection method: clinical testing. Allele origin: germline.

Laboratory of Genetics, Children's Clinical University Hospital Latvia
Classification: Pathogenic. Last evaluated: 2025-02-16. Review status: criteria provided, single submitter. Criteria: ACMG Guidelines, 2015. Collection method: clinical testing. Allele origin: germline. Affected: yes.

Blueprint Genetics
Classification: Pathogenic for HBB-related disorders. Last evaluated: 2024-10-17. Review status: criteria provided, single submitter. Criteria: ACMG Guidelines, 2015. Collection method: clinical testing. Allele origin: germline. Affected: yes. Observed: 5 variant alleles.

Fulgent Genetics
Classification: Pathogenic for Heinz body anemia; Hereditary persistence of fetal hemoglobin; Dominant beta-thalassemia; Hb SS disease; Malaria, susceptibility to; Beta-thalassemia HBB/LCRB; METHEMOGLOBINEMIA, BETA TYPE; Erythrocytosis, familial, 6. Last evaluated: 2024-05-31. Review status: criteria provided, single submitter. Criteria: ACMG Guidelines, 2015. Collection method: clinical testing. Allele origin: germline.

Laboratory for Molecular Medicine, Mass General Brigham Personalized Medicine
Classification: Pathogenic for beta Thalassemia. Last evaluated: 2024-03-20. Review status: criteria provided, single submitter. Criteria: ACMG Guidelines, 2015. Collection method: clinical testing. Allele origin: germline. Inheritance: Autosomal recessive inheritance.
Comment: The p.Gln40X variant, also reported as p.Gln39X, in HBB is a well-known pathogenic variant that has been identified in the homozygous or compound heterozygous state with another pathogenic variant in >300 individuals with beta thalassemia (Rosatelli 1992 PMID: 1734721, Ghedira 2011 PMID: 21417574, Danjou 2012 PMID: 22271886, Sirdah 2013 PMID: 23321370, Herrera 2015 PMID: 25572186, Gallagher 2016 PMID: 27821015, Hussain 2017 PMID: 28670940, Carrocini 2017 PMID: 28366028). It has also been reported by other clinical laboratories in ClinVar (Variation ID 15402). Additionally, it has been identified in 0.02% (14/60012) of Admixed American and 0.02% (80/12912216/11800180) of European chromosomes by gnomAD (v.4.0.0). However, this frequency is low enough to be consistent with a recessive carrier frequency. This nonsense variant leads to a premature termination codon at position 40 and has shown decreased mRNA expression level with no protein detected in p.Arg40X transfected Hela cells, suggesting that the variant undergoes nonsense-mediated mRNA decay (Neu-Yilik 2011 PMID: 21389146). Biallelic loss of function of the HBB gene is an established disease mechanism in autosomal recessive beta thalassemia. In summary, this variant meets criteria to be classified as pathogenic for autosomal recessive beta thalassemia. ACMG/AMP Criteria applied: PVS1, PM3_VeryStrong, PM2_Supporting.

Genomic Medicine Center of Excellence, King Faisal Specialist Hospital and Research Centre
Classification: Pathogenic for Malaria, susceptibility to. Last evaluated: 2024-03-17. Review status: criteria provided, single submitter. Criteria: ACMG Guidelines, 2015. Collection method: research. Allele origin: germline.

Institute of Human Genetics Munich, TUM University Hospital
Classification: Pathogenic for Beta-thalassemia HBB/LCRB. Last evaluated: 2024-02-05. Review status: criteria provided, single submitter. Criteria: Classification criteria August 2017. Collection method: clinical testing. Allele origin: germline, paternal. Inheritance: Autosomal dominant inheritance. Affected: yes. Observed: 3 variant alleles. Clinical features observed: Proteinuria (HP:0000093), Anemia (HP:0001903), Microscopic hematuria (HP:0002907), Ulcerative colitis (HP:0100279), Dyskinesia (HP:0100660), Hearing impairment (HP:0000365), Ataxia (HP:0001251), Delayed speech and language development (HP:0000750), Clubfoot (HP:0001762), Cerebellar atrophy (HP:0001272), Cerebellar vermis hypoplasia (HP:0001320), Global developmental delay (HP:0001263).

Laboratory of Medical Genetics, National & Kapodistrian University of Athens
Classification: Pathogenic for Beta-thalassemia HBB/LCRB. Last evaluated: 2024-02-01. Review status: criteria provided, single submitter. Criteria: ACMG Guidelines, 2015. Collection method: curation. Allele origin: germline. Affected: no.

Department of Human Genetics, Hannover Medical School
Classification: Pathogenic for Beta-thalassemia HBB/LCRB. Last evaluated: 2023-09-18. Review status: criteria provided, single submitter. Criteria: ACMG Guidelines, 2015. Collection method: clinical testing. Allele origin: germline. Inheritance: Autosomal dominant inheritance. Affected: yes.

Illumina Laboratory Services, Illumina
Classification: Pathogenic for Hb SS disease. Last evaluated: 2023-05-09. Review status: criteria provided, single submitter. Criteria: ICSLVariantClassificationCriteria RUGD 01 April 2020. Collection method: clinical testing. Allele origin: unknown.
Comment: The HBB c.118C>T (p.Gln40Ter) nonsense variant, also referred to as p.Gln39Ter, results in the loss of normal protein function through nonsense-mediated mRNA decay. This variant is one of the commonly identified pathogenic variants in individuals with beta-thalassemia from the Mediterranean region, accounting for most cases in Sardinia (PMID: 23637309). The p.Gln40Ter variant has been reported in a homozygous or compound heterozygous state in more than 300 individuals with different forms of beta-thalassemia (PMID: 9163586; 22271886; 23321370; 27199182; 33000750). The frequency of this allele in the Genome Aggregation Database is 0.000655 in the Latino/Admixed American population (version 3.1.2). A functional study using HeLa cells showed reduced mRNA expression with no protein detected in cells transfected with the variant compared to wildtype, suggesting the variant undergoes nonsense mediated mRNA decay (PMID: 21389146). Based on the available evidence, the c.118C>T (p.Gln40Ter) variant is classified as pathogenic for sickle cell disease.

Institute of Human Genetics, University of Leipzig Medical Center
Classification: Pathogenic for Beta-thalassemia HBB/LCRB. Last evaluated: 2023-03-17. Review status: criteria provided, single submitter. Criteria: ACMG Guidelines, 2015. Collection method: clinical testing. Allele origin: unknown. Affected: yes.
Comment: _x000D_ Criteria applied: PVS1, PS3, PS4, PP4

Laboratorio de Genetica e Diagnostico Molecular, Hospital Israelita Albert Einstein
Classification: Pathogenic for Beta-thalassemia HBB/LCRB. Last evaluated: 2023-01-13. Review status: criteria provided, single submitter. Criteria: ACMG Guidelines, 2015. Collection method: clinical testing. Allele origin: germline. Affected: yes. Observed: 1 variant allele.
Comment: ACMG classification criteria: PVS1 very strong, PS4 strong

MGZ Medical Genetics Center
Classification: Pathogenic for Beta-thalassemia HBB/LCRB. Last evaluated: 2022-05-24. Review status: criteria provided, single submitter. Criteria: ACMG Guidelines, 2015. Collection method: clinical testing. Allele origin: germline. Affected: yes. Observed: 2 variant alleles.
Comment: ACMG criteria applied: PVS1, PS4_MOD, PM3, PM2_SUP, PP4

Dasa
Classification: Pathogenic for Heinz body anemia. Last evaluated: 2022-04-10. Review status: criteria provided, single submitter. Criteria: ACMG Guidelines, 2015. Collection method: clinical testing. Allele origin: germline. Affected: yes. Observed: 1 variant allele.
Comment: The c.118C>T;p.(Gln40*) variant creates a premature translational stop signal in the HBB gene. It is expected to result in an absent or disrupted protein product -PVS1.Well-established in vitro or in vivo functional studies supportive of a damaging effect on the gene or gene product (PMID: 2867271)PS3. This sequence change has been observed in affected individual(s) and ClinVar contains an entry for this variant (ClinVar ID: 15402; PMID: 20301599; 27199182; 28361595; 27829304; 28670940; 28366028; 26897028; 32039214; 26366554; 6457059; 28366028) - PS4. The variant is present at low allele frequencies population databases (rs11549407 – gnomAD 0.002695%; ABraOM 0.000854 frequency) - PM2_supporting. The p.(Gln40*) was detected in trans with a pathogenic variant (PMID: 28361595; 26956563) - PM3_strong. In summary, the currently available evidence indicates that the variant is pathogenic.

GeneDx
Classification: Pathogenic. Last evaluated: 2022-03-20. Review status: criteria provided, single submitter. Criteria: GeneDx Variant Classification Process June 2021. Collection method: clinical testing. Allele origin: germline. Affected: yes.
Comment: One of the major beta-thalassemia alleles in the Mediterranean area (HbVar ID 845; Giardine et al., 2014); Nonsense variant predicted to result in protein truncation or nonsense mediated decay in a gene for which loss-of-function is a known mechanism of disease; Published functional studies demonstrate a damaging effect with significantly reduced mRNA expression level in R40X transfected Hela cells with no protein detected, suggesting that the variant transcript undergoes nonsense-mediated mRNA decay (Neu-Yilik et al., 2011); Identified in multiple individuals with beta-thalassemia minor or beta-thalassemia trait referred for genetic testing at GeneDx; Q40X has also been reported as Q39X using alternative nomenclature; This variant is associated with the following publications: (PMID: 2867271, 21417574, 25087612, 22975760, 1734721, 25572186, 21228398, 20301599, 6457059, 27821015, 8095930, 28670940, 27959697, 28366028, 24137000, 30665703, 31784700, 27427187, 32248411, 8103502, 34426522, 8195005, 1795494, 33326653, 31589614, 15609277, 9629495, 33339817, 9163586, 2577233, 21389146)

Greenwood Genetic Center Diagnostic Laboratories, Greenwood Genetic Center
Classification: Pathogenic for Beta-thalassemia HBB/LCRB. Last evaluated: 2022-02-17. Review status: criteria provided, single submitter. Criteria: ACMG Guidelines, 2015. Collection method: clinical testing. Allele origin: germline. Affected: yes.
Comment: PVS1, PS3, PM3

Genome-Nilou Lab
Classification: Pathogenic for Beta-thalassemia HBB/LCRB. Last evaluated: 2021-07-22. Review status: criteria provided, single submitter. Criteria: ACMG Guidelines, 2015. Collection method: clinical testing. Allele origin: germline. Affected: no.